The following is an entry in ClinVar:

NM_000090.4(COL3A1):c.1816-19T>C

Gene: COL3A1 (collagen type III alpha 1 chain; plus strand). Cytogenetic location: 2q32.2.
Variant type: single nucleotide variant.
Coding change: c.1816-19T>C on transcript NM_000090.4 (MANE Select); 19 bases into the intron before coding-DNA position 1816, T replaced by C.
Molecular consequence: intron variant.
Genome position (GRCh38, 1-based): chr2:188,997,317, T>C. VCF-style: chr2-188997317-T-C. GRCh37 (hg19) VCF-style: chr2-189862043-T-C.
Identifiers: ClinVar variation 35963 (VCV000035963.26), dbSNP rs114299724, ClinGen allele CA004579.
Genomic context (GRCh38, chr2:188,997,317, plus strand): 5'-AGATGCGTTCATCTCCAACCTTCTGACTTCTCTCTGTAATCTGTATTATTTCTACTTCCC[T>C]AACTGTTCTTGTTTTTAGGGTCCTCCTGGAAAGAATGGTGAAACTGGACCTCAGGGACCC-3'

ClinVar aggregate classification (germline): Benign/Likely benign. Review status: criteria provided, multiple submitters, no conflicts (2 of 4 stars). 8 submissions from 8 submitters: Benign (6); Likely benign (1). 1 of the submissions does not count toward it. Last evaluated 2026-02-04.

Conditions:
Ehlers-Danlos syndrome, type 4 (EDSVASC). Also called: Ehlers-Danlos syndrome vascular type; Ehlers Danlos syndrome, ecchymotic type; Ehlers Danlos syndrome, arterial type; Ehlers Danlos syndrome, Sack-Barabas type; Ehlers-Danlos Syndrome Type IV. Identifiers: Orphanet 286, MedGen C0268338, MONDO:0017314, OMIM 130050.
Polymicrogyria with or without vascular-type Ehlers-Danlos syndrome. Identifiers: Orphanet 636941, MedGen C5193040, MONDO:0032688, OMIM 618343.
Familial aortopathy. Identifiers: MedGen CN078214.

Allele frequency attached by ClinVar (database versions not stated): ExAC 0.00800; gnomAD exomes 0.01043 and 0.00739; 1000 Genomes Project 0.00319; TOPMed 0.00599; gnomAD 0.00647 and 0.00650; 1000 Genomes Project 30x 0.00312; ESP Exome Variant Server 0.00723.
gnomAD v4.1: 16,041 of 1,613,650 alleles (0.99%); highest among the groups gnomAD compares: Non-Finnish European, 1.2%; 115 homozygotes.

Submissions (8):

Labcorp Genetics (formerly Invitae), Labcorp
Classification: Benign for Ehlers-Danlos syndrome, type 4. Last evaluated: 2026-02-04. Review status: criteria provided, single submitter. Criteria: Invitae Variant Classification Sherloc (09022015). Collection method: clinical testing. Allele origin: germline.

ARUP Laboratories, Molecular Genetics and Genomics, ARUP Laboratories
Classification: Benign. Last evaluated: 2025-06-18. Review status: criteria provided, single submitter. Criteria: ARUP Molecular Germline Variant Investigation Process 2024. Collection method: clinical testing. Allele origin: germline.

Blueprint Genetics
Classification: Benign. Last evaluated: 2024-11-22. Review status: criteria provided, single submitter. Criteria: ACMG Guidelines, 2015. Collection method: clinical testing. Allele origin: germline.

Fulgent Genetics
Classification: Benign for Ehlers-Danlos syndrome, type 4; Polymicrogyria with or without vascular-type Ehlers-Danlos syndrome. Last evaluated: 2022-03-02. Review status: criteria provided, single submitter. Criteria: ACMG Guidelines, 2015. Collection method: clinical testing. Allele origin: unknown.

Center for Human Genetics, Inc
Classification: Likely benign for Ehlers-Danlos syndrome, type 4. Last evaluated: 2016-11-01. Review status: criteria provided, single submitter. Criteria: ACMG Guidelines, 2015. Collection method: clinical testing. Allele origin: germline. Affected: yes.

GeneDx
Classification: Benign. Last evaluated: 2013-02-21. Review status: criteria provided, single submitter. Criteria: GeneDx Variant Classification (06012015). Collection method: clinical testing. Allele origin: germline. Affected: yes.
Comment: This variant is considered likely benign or benign based on one or more of the following criteria: it is a conservative change, it occurs at a poorly conserved position in the protein, it is predicted to be benign by multiple in silico algorithms, and/or has population frequency not consistent with disease.

PreventionGenetics, part of Exact Sciences
Classification: Benign. Review status: criteria provided, single submitter. Criteria: ACMG Guidelines, 2015. Collection method: clinical testing. Allele origin: germline.

Women's Health and Genetics/Laboratory Corporation of America, LabCorp
Classification: Benign for Familial aortopathy. Last evaluated: 2015-06-04. Review status: no assertion criteria provided. Collection method: clinical testing. Allele origin: germline. Not counted in ClinVar's aggregate classification.